The following is an entry in ClinVar:

ClinVar aggregate classification (germline): Uncertain significance (1 of 4 stars; one submission).

Conditions:
Intellectual developmental disorder, autosomal recessive 43. Also called: Intellectual disability, autosomal recessive 43. Identifiers: Orphanet 88616, MedGen C4014386, MONDO:0014354, OMIM 615817.

Submission:

3billion
Classification: Uncertain significance for Intellectual developmental disorder, autosomal recessive 43. Last evaluated: 2024-11-15. Review status: criteria provided, single submitter. Criteria: ACMG Guidelines, 2015. Collection method: clinical testing. Allele origin: germline. Affected: yes.
Comment: The variant is observed at an extremely low frequency in the gnomAD v4.1.0 dataset (total allele frequency: 0.002%). Predicted Consequence/Location: Intron variant In silico tools predict the variant to alter splicing and produce an abnormal transcript [SpliceAI: 0.25 (>=0.2, moderate evidence for spliceogenicity)]. Therefore, this variant is classified as VUS according to the recommendation of ACMG/AMP guideline.

NM_015275.3(WASHC4):c.2759-1539del

Gene: WASHC4 (WASH complex subunit 4; plus strand). Cytogenetic location: 12q23.3.
Variant type: Deletion.
Coding change: c.2759-1539del on transcript NM_015275.3 (MANE Select); 1539 bases into the intron before coding-DNA position 2759, one base deleted (G; older notation c.2759-1539delG).
Molecular consequence: intron variant.
Genome position (GRCh38, 1-based): chr12:105,155,187, G deleted. VCF-style (leftmost placement, unchanged base first): chr12-105155186-AG-A. GRCh37 (hg19) VCF-style: chr12-105548964-AG-A.
Other names: c.2762-1539del (NM_001293640.2).
Identifiers: ClinVar variation 4292458 (VCV004292458.1).